The following is an entry in ClinVar:

ClinVar aggregate classification (germline): Pathogenic. Review status: criteria provided, multiple submitters, no conflicts (2 of 4 stars). 2 submissions from 2 submitters: Pathogenic (2). Last evaluated 2025-09-22.

Conditions:
Retinitis pigmentosa 38 (RP38). Also called: ROD-CONE DYSTROPHY, CHILDHOOD-ONSET. Identifiers: Orphanet 791, MedGen C3151228, MONDO:0013469, OMIM 613862.

Allele frequency attached by ClinVar (database versions not stated): gnomAD exomes below 0.00001.
gnomAD v4.1: 1 of 1,611,928 alleles (0.000062%); highest among the groups gnomAD compares: South Asian, 0.0011%; no homozygotes.

Submissions (2):

Labcorp Genetics (formerly Invitae), Labcorp
Classification: Pathogenic. Last evaluated: 2025-09-22. Review status: criteria provided, single submitter. Criteria: Invitae Variant Classification Sherloc (09022015). Collection method: clinical testing. Allele origin: germline.
Comment: This sequence change affects an acceptor splice site in intron 13 of the MERTK gene. It is expected to disrupt RNA splicing. Variants that disrupt the donor or acceptor splice site typically lead to a loss of protein function (PMID: 16199547), and loss-of-function variants in MERTK are known to be pathogenic (PMID: 24265693, 29659094). This variant is not present in population databases (gnomAD no frequency). Disruption of this splice site has been observed in individuals with retinitis pigmentosa (internal data). ClinVar contains an entry for this variant (Variation ID: 1067939). Algorithms developed to predict the effect of sequence changes on RNA splicing suggest that this variant may disrupt the consensus splice site. For these reasons, this variant has been classified as Pathogenic.

3billion
Classification: Pathogenic for Retinitis pigmentosa 38. Last evaluated: 2024-08-28. Review status: criteria provided, single submitter. Criteria: ACMG Guidelines, 2015. Collection method: clinical testing. Allele origin: germline. Affected: yes.
Comment: The variant is observed at an extremely low frequency in the gnomAD v4.0.0 dataset (total allele frequency: <0.001%). Predicted Consequence/Location: Canonical splice site: predicted to alter splicing and result in a loss or disruption of normal protein function. Multiple pathogenic loss-of-function variants are reported downstream of the variant. In silico tools predict the variant to alter splicing and produce an abnormal transcript [SpliceAI: 1.00 (spliceogenicity >=0.2, non-spliceogenicity <0.1)]. The variant has been reported to be associated with MERTK-related disorder (ClinVar ID: VCV001067939). Therefore, this variant is classified as Pathogenic according to the recommendation of ACMG/AMP guideline.

Literature cited by the submitters: PubMed 16199547 (cited by Labcorp Genetics (formerly Invitae), Labcorp); PubMed 24265693 (cited by Labcorp Genetics (formerly Invitae), Labcorp); PubMed 29659094 (cited by Labcorp Genetics (formerly Invitae), Labcorp).

NM_006343.3(MERTK):c.1868-1G>A

Gene: MERTK (MER proto-oncogene, tyrosine kinase; plus strand). Cytogenetic location: 2q13.
Variant type: single nucleotide variant.
Coding change: c.1868-1G>A on transcript NM_006343.3 (MANE Select); the canonical splice acceptor site of the intron before coding-DNA position 1868, G replaced by A.
Molecular consequence: splice acceptor variant.
Genome position (GRCh38, 1-based): chr2:112,008,382, G>A. VCF-style: chr2-112008382-G-A. GRCh37 (hg19) VCF-style: chr2-112765959-G-A.
Identifiers: ClinVar variation 1067939 (VCV001067939.10), dbSNP rs2104411620, ClinGen allele CA348233050.